The following is an entry in ClinVar:

NM_001323289.2(CDKL5):c.526T>C (p.Trp176Arg)

Gene: CDKL5 (cyclin dependent kinase like 5; plus strand). Cytogenetic location: Xp22.13.
Variant type: single nucleotide variant.
Coding change: c.526T>C on transcript NM_001323289.2 (MANE Select); coding-DNA position 526, T replaced by C.
Protein change: p.Trp176Arg; replaces tryptophan 176 with arginine.
Molecular consequence: missense variant.
Genome position (GRCh38, 1-based): chrX:18,584,325, T>C. VCF-style: chrX-18584325-T-C. GRCh37 (hg19) VCF-style: chrX-18602445-T-C.
Other names: NM_001323289.2(CDKL5):c.526T>C; p.Trp176Arg; c.526T>C, p.Trp176Arg (NM_001037343.2, NM_003159.3); short protein forms W176R.
Identifiers: ClinVar variation 158185 (VCV000158185.7), dbSNP rs587783084, ClinGen allele CA171646.

ClinVar aggregate classification (germline): Likely pathogenic. Review status: criteria provided, multiple submitters, no conflicts (2 of 4 stars). 2 submissions from 2 submitters: Likely pathogenic (2). Last evaluated 2024-09-23.

Conditions:
CDKL5 disorder. Identifiers: MedGen CN296942, MONDO:0100039.
Developmental and epileptic encephalopathy, 2 (DEE2). Also called: INFANTILE SPASM SYNDROME, X-LINKED 2; CDKL5 deficiency disorder. Identifiers: Orphanet 1934, Orphanet 3451, Orphanet 505652, MedGen C4750718, MONDO:0010396, OMIM 300672.

Submissions (2):

Centre for Population Genomics, CPG
Classification: Likely pathogenic for CDKL5 disorder. Last evaluated: 2024-09-23. Review status: criteria provided, single submitter. Criteria: McKnight et al. (Hum Mutat. 2022). Collection method: curation. Allele origin: germline. Inheritance: X-linked inheritance.
Comment: This variant has been collected from RettBASE and curated to current modified ACMG/AMP criteria. Based on the classification scheme defined by the ClinGen Rett/Angelman-like Expert Panel for Rett/AS-like Disorders Specifications to the ACMG/AMP Variant Interpretation Guidelines VCEP 3.0, this variant is classified as likely pathogenic. At least the following criteria are met: This variant has been identified as a de novo occurrence in at least 2 individuals with CDKL5 disorder, without confirmation of paternity and maternity (PM6_Strong, PMID: 29655203). Computational prediction analysis tools suggests a deleterious impact (REVEL score>= 0.75) (PP3). This variant is absent from gnomAD (PM2_Supporting).

Genetic Services Laboratory, University of Chicago
Classification: Likely pathogenic for Epileptic encephalopathy, early infantile, 2. Last evaluated: 2013-02-04. Review status: criteria provided, single submitter. Criteria: ACMG Guidelines, 2007. Collection method: clinical testing. Allele origin: germline. Inheritance: X-linked inheritance. Affected: yes.